The following is an entry in ClinVar:

ClinVar aggregate classification (germline): Uncertain significance (1 of 4 stars; one submission).

Allele frequency attached by ClinVar (database versions not stated): gnomAD exomes below 0.00001; gnomAD 0.00001.
gnomAD v4.1: 3 of 1,614,012 alleles (0.00019%); highest among the groups gnomAD compares: East Asian, 0.0067%; no homozygotes.

Submission:

Labcorp Genetics (formerly Invitae), Labcorp
Classification: Uncertain significance. Last evaluated: 2021-11-23. Review status: criteria provided, single submitter. Criteria: Invitae Variant Classification Sherloc (09022015). Collection method: clinical testing. Allele origin: germline.
Comment: In summary, the available evidence is currently insufficient to determine the role of this variant in disease. Therefore, it has been classified as a Variant of Uncertain Significance. Algorithms developed to predict the effect of missense changes on protein structure and function (SIFT, PolyPhen-2, Align-GVGD) all suggest that this variant is likely to be disruptive. This missense change has been observed in individual(s) with clinical features of PROKR2-related conditions (PMID: 30098700). This variant is not present in population databases (gnomAD no frequency). This sequence change replaces alanine, which is neutral and non-polar, with serine, which is neutral and polar, at codon 189 of the PROKR2 protein (p.Ala189Ser).

Literature cited by the submitters: PubMed 30098700.

NM_144773.4(PROKR2):c.565G>T (p.Ala189Ser)

Gene: PROKR2 (prokineticin receptor 2; minus strand). Cytogenetic location: 20p12.3.
Variant type: single nucleotide variant.
Coding change: c.565G>T on transcript NM_144773.4 (MANE Select); coding-DNA position 565, G replaced by T.
Protein change: p.Ala189Ser; replaces alanine 189 with serine.
Molecular consequence: missense variant.
Genome position (GRCh38, 1-based): chr20:5,302,630, C>A on the plus strand (G>T on the coding strand, the complement: PROKR2 is on the minus strand). VCF-style: chr20-5302630-C-A. GRCh37 (hg19) VCF-style: chr20-5283276-C-A.
Other names: short protein forms A189S.
Identifiers: ClinVar variation 1432215 (VCV001432215.6), dbSNP rs1979048318, ClinGen allele CA408167421.